The following is an entry in ClinVar:

ClinVar aggregate classification (germline): Likely pathogenic (1 of 4 stars; one submission).

Conditions:
Nemaline myopathy 2 (NEM2). Also called: Nemaline myopathy 2, autosomal recessive. Identifiers: MedGen C1850569, MONDO:0009725, OMIM 256030.

Submission:

Labcorp Genetics (formerly Invitae), Labcorp
Classification: Likely pathogenic for Nemaline myopathy 2. Last evaluated: 2022-08-22. Review status: criteria provided, single submitter. Criteria: Invitae Variant Classification Sherloc (09022015). Collection method: clinical testing. Allele origin: germline.
Comment: This variant is a gross deletion of the genomic region encompassing exon(s) 53-54 of the NEB gene. This variant would be expected to be in-frame, preserving the integrity of the reading frame. A similar copy number variant has been observed in individual(s) with nemaline myopathy (PMID: 23010307). In at least one individual the data is consistent with being in trans (on the opposite chromosome) from a pathogenic variant. In summary, the currently available evidence indicates that the variant is pathogenic, but additional data are needed to prove that conclusively. Therefore, this variant has been classified as Likely Pathogenic.

Literature cited by the submitters: PubMed 23010307.

NC_000002.11:g.(?_152506680)_(152507409_?)del

Gene: NEB (nebulin; minus strand). Cytogenetic location: 2q23.3.
Variant type: Deletion.
Identifiers: ClinVar variation 1505001 (VCV001505001.4).